The following is an entry in ClinVar:

ClinVar aggregate classification (germline): Uncertain significance (1 of 4 stars; one submission).

Conditions:
Hereditary cancer-predisposing syndrome. Also called: Hereditary neoplastic syndrome; Neoplastic Syndromes, Hereditary; Tumor predisposition; Hereditary Cancer Syndrome. Identifiers: Orphanet 140162, MedGen C0027672, MeSH D009386, MONDO:0015356.

Submission:

Ambry Genetics
Classification: Uncertain significance for Hereditary cancer-predisposing syndrome. Last evaluated: 2024-12-13. Review status: criteria provided, single submitter. Criteria: Ambry Variant Classification Scheme 2023. Collection method: clinical testing. Allele origin: germline.
Comment: The p.S1104F variant (also known as c.3311C>T), located in coding exon 28 of the EGFR gene, results from a C to T substitution at nucleotide position 3311. The serine at codon 1104 is replaced by phenylalanine, an amino acid with highly dissimilar properties. This amino acid position is conserved. In addition, the in silico prediction for this alteration is inconclusive. Based on the available evidence, the clinical significance of this variant remains unclear.

NM_005228.5(EGFR):c.3311C>T (p.Ser1104Phe)

Gene: EGFR (epidermal growth factor receptor; plus strand). Cytogenetic location: 7p11.2.
Variant type: single nucleotide variant.
Coding change: c.3311C>T on transcript NM_005228.5 (MANE Select); coding-DNA position 3311, C replaced by T.
Protein change: p.Ser1104Phe; replaces serine 1104 with phenylalanine.
Molecular consequence: missense variant.
Genome position (GRCh38, 1-based): chr7:55,205,295, C>T. VCF-style: chr7-55205295-C-T. GRCh37 (hg19) VCF-style: chr7-55272988-C-T.
Other names: c.3176C>T, p.Ser1059Phe (NM_001346899.2); c.3152C>T, p.Ser1051Phe (NM_001346900.2); c.2510C>T, p.Ser837Phe (NM_001346941.2); short protein forms S1059F, S1104F, S837F, S1051F.
Identifiers: ClinVar variation 3843765 (VCV003843765.1).